The following is an entry in ClinVar:

ClinVar aggregate classification (germline): Uncertain significance (1 of 4 stars; one submission).

Conditions:
ALMS1-related disorder. Also called: ALMS1-related condition.

Submission:

PreventionGenetics, part of Exact Sciences
Classification: Uncertain significance for ALMS1-related condition. Last evaluated: 2025-07-18. Review status: criteria provided, single submitter. Criteria: ACMG Guidelines, 2015. Collection method: clinical testing. Allele origin: germline.
Comment: The ALMS1 c.10939G>A variant is predicted to result in the amino acid substitution p.Glu3647Lys. To our knowledge, this variant has not been reported in the literature or in a large population database (gnomAD), indicating this variant is rare. At this time, the clinical significance of this variant is uncertain due to the absence of conclusive functional and genetic evidence.

NM_001378454.1(ALMS1):c.10936G>A (p.Val3646Ile)

Gene: ALMS1 (ALMS1 centrosome and basal body associated protein; plus strand). Cytogenetic location: 2p13.1.
Variant type: single nucleotide variant.
Coding change: c.10936G>A on transcript NM_001378454.1 (MANE Select); coding-DNA position 10936, G replaced by A.
Protein change: p.Val3646Ile; replaces valine 3646 with isoleucine.
Molecular consequence: missense variant.
Genome position (GRCh38, 1-based): chr2:73,572,813, G>A. VCF-style: chr2-73572813-G-A. GRCh37 (hg19) VCF-style: chr2-73799940-G-A.
Other names: c.10939G>A, p.Val3647Ile (NM_015120.4); short protein forms V3646I, V3647I.
Identifiers: ClinVar variation 4988646 (VCV004988646.1).